The following is an entry in ClinVar:

NM_019844.4(SLCO1B3):c.*642G>A

Genes: SLCO1B3 (solute carrier organic anion transporter family member 1B3; plus strand), SLCO1B3-SLCO1B7 (SLCO1B3-SLCO1B7 readthrough; plus strand). Cytogenetic location: 12p12.2.
Variant type: single nucleotide variant.
Coding change: c.*642G>A on transcript NM_019844.4 (MANE Select); 642 bases downstream of the stop codon, G replaced by A.
Molecular consequence: 3 prime UTR variant. On other transcripts: intron variant (1).
Genome position (GRCh38, 1-based): chr12:20,916,889, G>A. VCF-style: chr12-20916889-G-A. GRCh37 (hg19) VCF-style: chr12-21069823-G-A.
Other names: c.*642G>A (NM_001349920.2); c.1865+15422G>A (NM_001371097.1).
Identifiers: ClinVar variation 881963 (VCV000881963.4), dbSNP rs77957556, ClinGen allele CA233518757.

ClinVar aggregate classification (germline): Benign (1 of 4 stars; one submission).

Conditions:
Rotor syndrome (HBLRR). Also called: HYPERBILIRUBINEMIA, ROTOR TYPE, DIGENIC; HYPERBILIRUBINEMIA, ROTOR TYPE. Identifiers: Orphanet 3111, MedGen C0220991, MONDO:0009379, OMIM 237450.

Allele frequency attached by ClinVar (database versions not stated): gnomAD 0.00653 and 0.00684; TOPMed 0.00725; 1000 Genomes Project 0.00799; 1000 Genomes Project 30x 0.00906.

Submission:

Illumina Laboratory Services, Illumina
Classification: Benign for Rotor syndrome. Last evaluated: 2017-04-27. Review status: criteria provided, single submitter. Criteria: ICSL Variant Classification Criteria 13 December 2019. Collection method: clinical testing. Allele origin: germline.
Comment: This variant was observed as part of a predisposition screen in an ostensibly healthy population. A literature search was performed for the gene, cDNA change, and amino acid change (where applicable). No publications were found based on this search. Allele frequency data from public databases was too high to be consistent with this variant causing disease. Therefore, this variant is classified as benign.